The following is an entry in ClinVar:

NM_001292034.3(TAB2):c.853A>C (p.Met285Leu)

Genes: TAB2 (TGF-beta activated kinase 1 (MAP3K7) binding protein 2; plus strand), LOC126859827 (BRD4-independent group 4 enhancer GRCh37_chr6:149699707-149700906; plus strand). Cytogenetic location: 6q25.1.
Variant type: single nucleotide variant.
Coding change: c.853A>C on transcript NM_001292034.3 (MANE Select); coding-DNA position 853, A replaced by C.
Protein change: p.Met285Leu; replaces methionine 285 with leucine.
Molecular consequence: missense variant.
Genome position (GRCh38, 1-based): chr6:149,378,768, A>C. VCF-style: chr6-149378768-A-C. GRCh37 (hg19) VCF-style: chr6-149699904-A-C.
Other names: c.757A>C, p.Met253Leu (NM_001292035.3); c.853A>C, p.Met285Leu (NM_001369506.1, NM_015093.6); short protein forms M253L, M285L.
Identifiers: ClinVar variation 4780177 (VCV004780177.1).
Genomic context (GRCh38, chr6:149,378,768, plus strand): 5'-CTGTCACATACCTCATCTCAACAGCCAAATCAGCAAGGCCACCAGACCTCTCATGTCTAC[A>C]TGCCAATCAGTTCACCTACTACTTCACAACCACCAACCATTCATTCATCTGGTAGCTCAC-3'
Protein context (NP_001278963.1, residues 275-295): QQGHQTSHVY[Met285Leu]PISSPTTSQP

ClinVar aggregate classification (germline): Uncertain significance (1 of 4 stars; one submission).

gnomAD v4.1: 1 of 1,614,072 alleles (0.000062%); highest among the groups gnomAD compares: Non-Finnish European, 0.000085%; no homozygotes.

Submission:

Labcorp Genetics (formerly Invitae), Labcorp
Classification: Uncertain significance. Last evaluated: 2025-03-05. Review status: criteria provided, single submitter. Criteria: Invitae Variant Classification Sherloc (09022015). Collection method: clinical testing. Allele origin: germline.
Comment: This sequence change replaces methionine, which is neutral and non-polar, with leucine, which is neutral and non-polar, at codon 285 of the TAB2 protein (p.Met285Leu). This variant is present in population databases (rs149874061, gnomAD 0.007%). This variant has not been reported in the literature in individuals affected with TAB2-related conditions. Invitae Evidence Modeling of protein sequence and biophysical properties (such as structural, functional, and spatial information, amino acid conservation, physicochemical variation, residue mobility, and thermodynamic stability) indicates that this missense variant is not expected to disrupt TAB2 protein function with a negative predictive value of 80%. In summary, the available evidence is currently insufficient to determine the role of this variant in disease. Therefore, it has been classified as a Variant of Uncertain Significance.